The following is an entry in ClinVar:

ClinVar aggregate classification (germline): Likely pathogenic (1 of 4 stars; one submission).

Conditions:
Dilated cardiomyopathy 1G (CMD1G). Identifiers: Orphanet 154, MedGen C1858763, MONDO:0011400, OMIM 604145.
Autosomal recessive limb-girdle muscular dystrophy type 2J (LGMDR10). Also called: MUSCULAR DYSTROPHY, LIMB-GIRDLE, AUTOSOMAL RECESSIVE 10; Limb-girdle muscular dystrophy, type 2J. Identifiers: Orphanet 140922, MedGen C1837342, MONDO:0012127, OMIM 608807.

Submission:

Labcorp Genetics (formerly Invitae), Labcorp
Classification: Likely pathogenic for Dilated cardiomyopathy 1G; Autosomal recessive limb-girdle muscular dystrophy type 2J. Last evaluated: 2025-08-29. Review status: criteria provided, single submitter. Criteria: Invitae Variant Classification Sherloc (09022015). Collection method: clinical testing. Allele origin: germline.
Comment: This sequence change creates a premature translational stop signal (p.Tyr14299*) in the TTN gene. While this is not anticipated to result in nonsense mediated decay, it is expected to create a truncated TTN protein. This variant is not present in population databases (gnomAD no frequency). This variant has not been reported in the literature in individuals affected with TTN-related conditions. ClinVar contains an entry for this variant (Variation ID: 2942214). This variant is located in the I band of TTN (PMID: 25589632). Truncating variants in this region have been reported in individuals affected with autosomal recessive centronuclear myopathy (PMID: 23975875, internal data). Truncating variants in this region have also been identified in individuals affected with autosomal dominant dilated cardiomyopathy and/or cardio-related conditions (PMID: 27869827, 32964742, internal data). In summary, the currently available evidence indicates that the variant is pathogenic, but additional data are needed to prove that conclusively. Therefore, this variant has been classified as Likely Pathogenic.

Literature cited by the submitters: PubMed 25589632; PubMed 23975875; PubMed 27869827; PubMed 32964742.

NM_001267550.2(TTN):c.42897T>A (p.Tyr14299Ter)

Gene: TTN (titin; minus strand). Cytogenetic location: 2q31.2.
Variant type: single nucleotide variant.
Coding change: c.42897T>A on transcript NM_001267550.2 (MANE Select); coding-DNA position 42897, T replaced by A.
Protein change: p.Tyr14299Ter; replaces tyrosine 14299 with a stop codon.
Molecular consequence: nonsense.
Genome position (GRCh38, 1-based): chr2:178,633,462, A>T on the plus strand (T>A on the coding strand, the complement: TTN is on the minus strand). VCF-style: chr2-178633462-A-T. GRCh37 (hg19) VCF-style: chr2-179498189-A-T.
Other names: c.37974T>A, p.Tyr12658Ter (NM_001256850.1); c.15702T>A, p.Tyr5234Ter (NM_003319.4); c.35193T>A, p.Tyr11731Ter (NM_133378.4); c.16077T>A, p.Tyr5359Ter (NM_133432.3); c.16278T>A, p.Tyr5426Ter (NM_133437.4); short protein forms Y5234*, Y5426*, Y11731*, Y14299*, Y5359*, Y12658*.
Identifiers: ClinVar variation 2942214 (VCV002942214.3), dbSNP rs2471509536, ClinGen allele CA349653424.